The following is an entry in ClinVar:

ClinVar aggregate classification (germline): Likely benign (1 of 4 stars; one submission).

Allele frequency attached by ClinVar (database versions not stated): gnomAD exomes below 0.00001; gnomAD 0.00002 and 0.00003; TOPMed 0.00002; ExAC 0.00001.
gnomAD v4.1: 23 of 1,610,532 alleles (0.0014%); highest among the groups gnomAD compares: Admixed American, 0.0033%; no homozygotes.

Submission:

GeneDx
Classification: Likely benign. Last evaluated: 2017-10-26. Review status: criteria provided, single submitter. Criteria: GeneDx Variant Classification (06012015). Collection method: clinical testing. Allele origin: germline. Affected: yes.
Comment: This variant is considered likely benign or benign based on one or more of the following criteria: it is a conservative change, it occurs at a poorly conserved position in the protein, it is predicted to be benign by multiple in silico algorithms, and/or has population frequency not consistent with disease.

NM_004999.4(MYO6):c.270C>T (p.Val90=)

Gene: MYO6 (myosin VI; plus strand). Cytogenetic location: 6q14.1.
Variant type: single nucleotide variant.
Coding change: c.270C>T on transcript NM_004999.4 (MANE Select); coding-DNA position 270, C replaced by T.
Protein change: p.Val90=; no amino-acid change (valine 90 retained).
Molecular consequence: synonymous variant. On other transcripts: non-coding transcript variant (2).
Genome position (GRCh38, 1-based): chr6:75,830,424, C>T. VCF-style: chr6-75830424-C-T. GRCh37 (hg19) VCF-style: chr6-76540141-C-T.
Other names: c.270C>T, p.Val90= (NM_001300899.2, NM_001368136.1, NM_001368137.1 and 5 more transcripts).
Identifiers: ClinVar variation 512843 (VCV000512843.1), dbSNP rs376613843, ClinGen allele CA3896797.
Genomic context (GRCh38, chr6:75,830,424, plus strand): 5'-TTAAATGAAAATAGTAATTGGAATATTTTATGTTTATGCTTTTCGTATTTAGACATATGT[C>T]GCCAACATTCTGATTGCAGTGAATCCATACTTTGACATACCTAAAATATATTCTTCAGAA-3'
Protein context (NP_004990.3, residues 80-100): RYSKDRIYTY[Val90=]ANILIAVNPY